The following is an entry in ClinVar:

ClinVar aggregate classification (germline): Uncertain significance (1 of 4 stars; one submission).

gnomAD v4.1: 19 of 1,609,978 alleles (0.0012%); highest among the groups gnomAD compares: Non-Finnish European, 0.0015%; no homozygotes.

Submission:

Labcorp Genetics (formerly Invitae), Labcorp
Classification: Uncertain significance. Last evaluated: 2021-10-14. Review status: criteria provided, single submitter. Criteria: Invitae Variant Classification Sherloc (09022015). Collection method: clinical testing. Allele origin: germline.
Comment: This sequence change replaces threonine with serine at codon 210 of the C11orf70 protein (p.Thr210Ser). The threonine residue is highly conserved and there is a small physicochemical difference between threonine and serine. This variant is not present in population databases (ExAC no frequency). This variant has not been reported in the literature in individuals affected with C11orf70-related conditions. Algorithms developed to predict the effect of missense changes on protein structure and function (SIFT, PolyPhen-2, Align-GVGD) all suggest that this variant is likely to be disruptive. In summary, the available evidence is currently insufficient to determine the role of this variant in disease. Therefore, it has been classified as a Variant of Uncertain Significance.

NM_032930.3(CFAP300):c.629C>G (p.Thr210Ser)

Gene: CFAP300 (cilia and flagella associated protein 300; plus strand). Cytogenetic location: 11q22.1.
Variant type: single nucleotide variant.
Coding change: c.629C>G on transcript NM_032930.3 (MANE Select); coding-DNA position 629, C replaced by G.
Protein change: p.Thr210Ser; replaces threonine 210 with serine.
Molecular consequence: missense variant. On other transcripts: intron variant (1).
Genome position (GRCh38, 1-based): chr11:102,081,235, C>G. VCF-style: chr11-102081235-C-G. GRCh37 (hg19) VCF-style: chr11-101951966-C-G.
Other names: c.604-1836C>G (NM_001363505.2); short protein forms T210S.
Identifiers: ClinVar variation 1681466 (VCV001681466.3), dbSNP rs921147192, ClinGen allele CA228279323.